The following is an entry in ClinVar:

NM_003872.3(NRP2):c.471C>T (p.Asn157=)

Gene: NRP2 (neuropilin 2; plus strand). Cytogenetic location: 2q33.3.
Variant type: single nucleotide variant.
Coding change: c.471C>T on transcript NM_003872.3 (MANE Select); coding-DNA position 471, C replaced by T.
Protein change: p.Asn157=; no amino-acid change (asparagine 157 retained).
Molecular consequence: synonymous variant.
Genome position (GRCh38, 1-based): chr2:205,722,515, C>T. VCF-style: chr2-205722515-C-T. GRCh37 (hg19) VCF-style: chr2-206587239-C-T.
Other names: c.471C>T, p.Asn157= (NM_018534.4, NM_201264.2, NM_201266.2 and 2 more transcripts).
Identifiers: ClinVar variation 3352512 (VCV003352512.1).

ClinVar aggregate classification (germline): Likely benign (0 of 4 stars; one submission).

Conditions:
NRP2-related disorder. Also called: NRP2-related condition.

gnomAD v4.1: 72 of 1,614,196 alleles (0.0045%); highest among the groups gnomAD compares: East Asian, 0.065%; 1 homozygote.

Submission:

PreventionGenetics, part of Exact Sciences
Classification: Likely benign for NRP2-related condition. Last evaluated: 2024-04-17. Review status: no assertion criteria provided. Collection method: clinical testing. Allele origin: germline.
Comment: This variant is classified as likely benign based on ACMG/AMP sequence variant interpretation guidelines (Richards et al. 2015 PMID: 25741868, with internal and published modifications).